The following is an entry in ClinVar:

ClinVar aggregate classification (germline): Pathogenic/Likely pathogenic. Review status: criteria provided, multiple submitters, no conflicts (2 of 4 stars). 4 submissions from 4 submitters: Pathogenic (2); Likely pathogenic (1). 1 of the submissions does not count toward it. Last evaluated 2023-09-01.

Conditions:
RYR1-related disorder. Also called: RYR1-related disorders; RYR1-related condition. Identifiers: MedGen CN239331.
RYR1-related myopathy. Identifiers: Orphanet 98742, MedGen CN305348, MONDO:0100150.
Malignant hyperthermia, susceptibility to, 1 (MHS1). Also called: Anesthesia related hyperthermia; Malignant hyperpyrexia; Fulminating hyperpyrexia; Pharmacogenic myopathy; RYR1-Related Malignant Hyperthermia Susceptibility; Malignant hyperthermia suceptibility 1. Identifiers: Orphanet 423, MedGen C2930980, MONDO:0007783, OMIM 145600.

Allele frequency attached by ClinVar (database versions not stated): TOPMed 0.00001.
gnomAD v4.1: 29 of 1,613,702 alleles (0.0018%); highest among the groups gnomAD compares: Non-Finnish European, 0.0024%; no homozygotes.

Submissions (4):

Labcorp Genetics (formerly Invitae), Labcorp
Classification: Pathogenic for RYR1-related disorder. Last evaluated: 2023-09-01. Review status: criteria provided, single submitter. Criteria: Invitae Variant Classification Sherloc (09022015). Collection method: clinical testing. Allele origin: germline.
Comment: For these reasons, this variant has been classified as Pathogenic. ClinVar contains an entry for this variant (Variation ID: 590392). This variant has not been reported in the literature in individuals affected with RYR1-related conditions. This variant is not present in population databases (gnomAD no frequency). This sequence change creates a premature translational stop signal (p.Gln3977*) in the RYR1 gene. It is expected to result in an absent or disrupted protein product. Loss-of-function variants in RYR1 are known to be pathogenic (PMID: 23919265, 25960145, 28818389, 30611313).

Victorian Clinical Genetics Services, Murdoch Childrens Research Institute
Classification: Pathogenic for RYR1-related myopathy. Last evaluated: 2020-10-19. Review status: criteria provided, single submitter. Criteria: ACMG Guidelines, 2015. Collection method: clinical testing. Allele origin: germline. Inheritance: Autosomal recessive inheritance.
Comment: Based on the classification scheme VCGS_Germline_v1.1.1, this variant is classified as Pathogenic. Following criteria are met: 0103 - Both loss- and gain-of-function are known mechanisms of disease for this gene (PMID: 23919265). (N) 0108 - This gene is known to be associated with both recessive and dominant disease (PMID: 23919265). (N) 0201 - Variant is predicted to cause nonsense-mediated decay (NMD) and loss of protein (exon 87 of 106). (P) 0251 - Variant is heterozygous. (N) 0301 - Variant is absent from gnomAD. (P) 0701 - Comparable variants have very strong previous evidence for pathogenicity. Other variants predicted to cause NMD in this gene have been reported in ClinVar as pathogenic. (P) 0803 - Low previous evidence of pathogenicity in unrelated individuals. The variant has been previously reported as likely pathogenic in a patient (ClinVar). (P) 0905 - No segregation evidence has been identified for this variant. (N) 1007 - No published functional evidence has been identified for this variant. (N) 1208 - Inheritance information for this variant is not currently available. (N) Legend: (P) - Pathogenic, (N) - Neutral, (B) - Benign

PreventionGenetics, part of Exact Sciences
Classification: Likely pathogenic. Last evaluated: 2015-10-23. Review status: criteria provided, single submitter. Criteria: ACMG Guidelines, 2015. Collection method: clinical testing. Allele origin: germline.

All of Us Research Program, National Institutes of Health
Classification: Uncertain significance for Malignant hyperthermia, susceptibility to, 1. Last evaluated: 2023-08-15. Review status: flagged submission. Criteria: ACMG Guidelines, 2015. Collection method: clinical testing. Allele origin: germline. Inheritance: Autosomal dominant inheritance. Observed: 1 variant allele, 1 heterozygote. Not counted in ClinVar's aggregate classification.
Comment: This variant changes 1 nucleotide in exon 87 of the RYR1 gene, creating a premature translation stop signal. This variant is expected to result in an absent or non-functional protein product. To our knowledge, this variant has not been reported in individuals affected with RYR1-related disorders in the literature. This variant has not been identified in the general population by the Genome Aggregation Database (gnomAD). Loss of RYR1 function due to truncation variants is not an established disease mechanism for autosomal dominant malignant hyperthermia, although it is associated with other phenotype(s) (ClinVar Variation ID: 590392). Due to insufficient evidence, this variant is classified as a Variant of Uncertain Significance for autosomal dominant malignant hyperthermia.

This study involves interpretation of variants in research participants for the purpose of population health screening. Participant phenotype was not available at the time of variant classification. Additional details can be found in publication PMID: 35346344, PMCID: PMC8962531
ClinVar note: Reason: Outlier claim with insufficient supporting evidence

Literature cited by the submitters: PubMed 23919265 (cited by Labcorp Genetics (formerly Invitae), Labcorp and Victorian Clinical Genetics Services, Murdoch Childrens Research Institute); PubMed 25960145 (cited by Labcorp Genetics (formerly Invitae), Labcorp); PubMed 28818389 (cited by Labcorp Genetics (formerly Invitae), Labcorp); PubMed 30611313 (cited by Labcorp Genetics (formerly Invitae), Labcorp).

NM_000540.3(RYR1):c.11929C>T (p.Gln3977Ter)

Gene: RYR1 (ryanodine receptor 1; plus strand). Cytogenetic location: 19q13.2.
Variant type: single nucleotide variant.
Coding change: c.11929C>T on transcript NM_000540.3 (MANE Select); coding-DNA position 11929, C replaced by T.
Protein change: p.Gln3977Ter; replaces glutamine 3977 with a stop codon.
Molecular consequence: nonsense.
Genome position (GRCh38, 1-based): chr19:38,543,792, C>T. VCF-style: chr19-38543792-C-T. GRCh37 (hg19) VCF-style: chr19-39034432-C-T.
Other names: c.11914C>T, p.Gln3972Ter (NM_001042723.2); short protein forms Q3977*, Q3972*.
Identifiers: ClinVar variation 590392 (VCV000590392.11), dbSNP rs1447117024, ClinGen allele CA405662776.